The following is an entry in ClinVar:

ClinVar aggregate classification (germline): Pathogenic (1 of 4 stars; one submission).

Conditions:
Transcobalamin I deficiency (TCN1D). Also called: COBALAMIN PSEUDODEFICIENCY DUE TO TRANSCOBALAMIN DEFICIENCY; COBALAMIN R BINDER PROTEIN DEFICIENCY; TCN1 DEFICIENCY. Identifiers: Orphanet 2967, MedGen C0342700, MONDO:0008659, OMIM 193090.

Allele frequency attached by ClinVar (database versions not stated): gnomAD exomes 0.00001 and 0.00002; gnomAD 0.00001; TOPMed 0.00002.

Submission:

Labcorp Genetics (formerly Invitae), Labcorp
Classification: Pathogenic for Transcobalamin I deficiency. Last evaluated: 2024-12-09. Review status: criteria provided, single submitter. Criteria: Invitae Variant Classification Sherloc (09022015). Collection method: clinical testing. Allele origin: germline.
Comment: This sequence change creates a premature translational stop signal (p.Leu9Glnfs*20) in the TCN1 gene. It is expected to result in an absent or disrupted protein product. Loss-of-function variants in TCN1 are known to be pathogenic (PMID: 19686235). This variant is present in population databases (no rsID available, gnomAD 0.01%). This variant has not been reported in the literature in individuals affected with TCN1-related conditions. ClinVar contains an entry for this variant (Variation ID: 568555). For these reasons, this variant has been classified as Pathogenic.

Literature cited by the submitters: PubMed 19686235.

NM_001062.4(TCN1):c.26del (p.Leu9fs)

Gene: TCN1 (transcobalamin 1; minus strand). Cytogenetic location: 11q12.1.
Variant type: Deletion.
Coding change: c.26del on transcript NM_001062.4 (MANE Select); coding-DNA position 26, one base deleted (T; older notation c.26delT).
Protein change: p.Leu9fs; shifts the reading frame from leucine 9.
Molecular consequence: frameshift variant.
Genome position (GRCh38, 1-based): chr11:59,866,445, A deleted on the plus strand (T on the coding strand, the reverse complement: TCN1 is on the minus strand). VCF-style (leftmost placement, unchanged base first): chr11-59866444-TA-T. GRCh37 (hg19) VCF-style: chr11-59633917-TA-T.
Other names: short protein forms L9fs.
Identifiers: ClinVar variation 568555 (VCV000568555.6), dbSNP rs1209702636, ClinGen allele CA599720661.